The following is an entry in ClinVar:

ClinVar aggregate classification (germline): Uncertain significance. Review status: criteria provided, multiple submitters, no conflicts (2 of 4 stars). 2 submissions from 2 submitters: Uncertain significance (2). Last evaluated 2025-06-01.

Conditions:
Dilated cardiomyopathy 1HH (CMD1HH). Identifiers: Orphanet 154, MedGen C3151293, MONDO:0013479, OMIM 613881.
Myofibrillar myopathy 6. Identifiers: Orphanet 199340, MedGen C2751831, MONDO:0013061, OMIM 612954.
Cardiovascular phenotype. Identifiers: MedGen CN230736.

Allele frequency attached by ClinVar (database versions not stated): gnomAD exomes 0.00001.
gnomAD v4.1: 12 of 1,614,086 alleles (0.00074%); highest among the groups gnomAD compares: Admixed American, 0.005%; no homozygotes.

Submissions (2):

Labcorp Genetics (formerly Invitae), Labcorp
Classification: Uncertain significance for Dilated cardiomyopathy 1HH; Myofibrillar myopathy 6. Last evaluated: 2025-06-01. Review status: criteria provided, single submitter. Criteria: Invitae Variant Classification Sherloc (09022015). Collection method: clinical testing. Allele origin: germline.
Comment: This sequence change replaces arginine, which is basic and polar, with tryptophan, which is neutral and slightly polar, at codon 203 of the BAG3 protein (p.Arg203Trp). This variant is present in population databases (no rsID available, gnomAD 0.006%). This variant has not been reported in the literature in individuals affected with BAG3-related conditions. ClinVar contains an entry for this variant (Variation ID: 962988). Invitae Evidence Modeling of protein sequence and biophysical properties (such as structural, functional, and spatial information, amino acid conservation, physicochemical variation, residue mobility, and thermodynamic stability) indicates that this missense variant is not expected to disrupt BAG3 protein function with a negative predictive value of 80%. In summary, the available evidence is currently insufficient to determine the role of this variant in disease. Therefore, it has been classified as a Variant of Uncertain Significance.

Ambry Genetics
Classification: Uncertain significance for Cardiovascular phenotype. Last evaluated: 2022-04-01. Review status: criteria provided, single submitter. Criteria: Ambry Variant Classification Scheme 2023. Collection method: clinical testing. Allele origin: germline.
Comment: The p.R203W variant (also known as c.607C>T), located in coding exon 3 of the BAG3 gene, results from a C to T substitution at nucleotide position 607. The arginine at codon 203 is replaced by tryptophan, an amino acid with dissimilar properties. This amino acid position is conserved. In addition, this alteration is predicted to be deleterious by in silico analysis. Since supporting evidence is limited at this time, the clinical significance of this alteration remains unclear.

NM_004281.4(BAG3):c.607C>T (p.Arg203Trp)

Gene: BAG3 (BAG cochaperone 3; plus strand). Cytogenetic location: 10q26.11.
Variant type: single nucleotide variant.
Coding change: c.607C>T on transcript NM_004281.4 (MANE Select); coding-DNA position 607, C replaced by T.
Protein change: p.Arg203Trp; replaces arginine 203 with tryptophan.
Molecular consequence: missense variant.
Genome position (GRCh38, 1-based): chr10:119,672,354, C>T. VCF-style: chr10-119672354-C-T. GRCh37 (hg19) VCF-style: chr10-121431866-C-T.
Other names: short protein forms R203W.
Identifiers: ClinVar variation 962988 (VCV000962988.9), dbSNP rs1047671466, ClinGen allele CA378295429.